The following is an entry in ClinVar:

ClinVar aggregate classification (germline): Uncertain significance (1 of 4 stars; one submission).

Submission:

Labcorp Genetics (formerly Invitae), Labcorp
Classification: Uncertain significance. Last evaluated: 2022-08-13. Review status: criteria provided, single submitter. Criteria: Invitae Variant Classification Sherloc (09022015). Collection method: clinical testing. Allele origin: germline.
Comment: This variant is not present in population databases (gnomAD no frequency). This variant has not been reported in the literature in individuals affected with SI-related conditions. Advanced modeling of protein sequence and biophysical properties (such as structural, functional, and spatial information, amino acid conservation, physicochemical variation, residue mobility, and thermodynamic stability) performed at Invitae indicates that this missense variant is not expected to disrupt SI protein function. In summary, the available evidence is currently insufficient to determine the role of this variant in disease. Therefore, it has been classified as a Variant of Uncertain Significance. This sequence change replaces threonine, which is neutral and polar, with asparagine, which is neutral and polar, at codon 1326 of the SI protein (p.Thr1326Asn).

NM_001041.4(SI):c.3977C>A (p.Thr1326Asn)

Gene: SI (sucrase-isomaltase; minus strand). Cytogenetic location: 3q26.1.
Variant type: single nucleotide variant.
Coding change: c.3977C>A on transcript NM_001041.4 (MANE Select); coding-DNA position 3977, C replaced by A.
Protein change: p.Thr1326Asn; replaces threonine 1326 with asparagine.
Molecular consequence: missense variant.
Genome position (GRCh38, 1-based): chr3:165,015,145, G>T on the plus strand (C>A on the coding strand, the complement: SI is on the minus strand). VCF-style: chr3-165015145-G-T. GRCh37 (hg19) VCF-style: chr3-164732933-G-T.
Other names: short protein forms T1326N.
Identifiers: ClinVar variation 1716302 (VCV001716302.5), dbSNP rs1334719838, ClinGen allele CA355035890.